The following is an entry in ClinVar:

NM_031483.7(ITCH):c.21A>G (p.Gln7=)

Gene: ITCH (itchy E3 ubiquitin protein ligase; plus strand). Cytogenetic location: 20q11.22.
Variant type: single nucleotide variant.
Coding change: c.21A>G on transcript NM_031483.7 (MANE Select); coding-DNA position 21, A replaced by G.
Protein change: p.Gln7=; no amino-acid change (glutamine 7 retained).
Molecular consequence: synonymous variant. On other transcripts: 5 prime UTR variant (1).
Genome position (GRCh38, 1-based): chr20:34,393,832, A>G. VCF-style: chr20-34393832-A-G. GRCh37 (hg19) VCF-style: chr20-32981638-A-G.
Other names: c.21A>G, p.Gln7= (NM_001257137.3, NM_001324197.2, NM_001324198.2); c.-168A>G (NM_001257138.3); c.21A>G (NM_031483.6).
Identifiers: ClinVar variation 1155703 (VCV001155703.11), dbSNP rs761575378, ClinGen allele CA9821209.

ClinVar aggregate classification (germline): Likely benign. Review status: criteria provided, single submitter (1 of 4 stars). 2 submissions from 2 submitters: Likely benign (1). 1 of the submissions does not count toward it. Last evaluated 2025-09-20.

Conditions:
Syndromic multisystem autoimmune disease due to ITCH deficiency. Also called: AUTOIMMUNE DISEASE, MULTISYSTEM, WITH FACIAL DYSMORPHISM. Identifiers: Orphanet 228426, MedGen C3150649, MONDO:0013245, OMIM 613385.
ITCH-related disorder. Also called: ITCH-related condition.

Allele frequency attached by ClinVar (database versions not stated): gnomAD exomes 0.00001 and 0.00002; ExAC 0.00002; gnomAD 0.00007 and 0.00009; TOPMed 0.00011.
gnomAD v4.1: 27 of 1,613,910 alleles (0.0017%); highest among the groups gnomAD compares: Admixed American, 0.0067%; no homozygotes.

Submissions (2):

Labcorp Genetics (formerly Invitae), Labcorp
Classification: Likely benign for Syndromic multisystem autoimmune disease due to ITCH deficiency. Last evaluated: 2025-09-20. Review status: criteria provided, single submitter. Criteria: Invitae Variant Classification Sherloc (09022015). Collection method: clinical testing. Allele origin: germline.

PreventionGenetics, part of Exact Sciences
Classification: Likely benign for ITCH-related condition. Last evaluated: 2024-01-04. Review status: no assertion criteria provided. Collection method: clinical testing. Allele origin: germline. Not counted in ClinVar's aggregate classification.
Comment: This variant is classified as likely benign based on ACMG/AMP sequence variant interpretation guidelines (Richards et al. 2015 PMID: 25741868, with internal and published modifications).